The following is an entry in ClinVar:

NM_000368.5(TSC1):c.28C>T (p.Leu10Phe)

Gene: TSC1 (TSC complex subunit 1; minus strand). Cytogenetic location: 9q34.13.
Variant type: single nucleotide variant.
Coding change: c.28C>T on transcript NM_000368.5 (MANE Select); coding-DNA position 28, C replaced by T.
Protein change: p.Leu10Phe; replaces leucine 10 with phenylalanine.
Molecular consequence: missense variant. On other transcripts: 5 prime UTR variant (1).
Genome position (GRCh38, 1-based): chr9:132,928,845, G>A on the plus strand (C>T on the coding strand, the complement: TSC1 is on the minus strand). VCF-style: chr9-132928845-G-A. GRCh37 (hg19) VCF-style: chr9-135804232-G-A.
Other names: c.28C>T, p.Leu10Phe (NM_001162426.2, NM_001162427.2); c.-232C>T (NM_001362177.2); short protein forms L10F.
Identifiers: ClinVar variation 534457 (VCV000534457.15), dbSNP rs1399717425, ClinGen allele CA375375415.

ClinVar aggregate classification (germline): Conflicting classifications of pathogenicity. Review status: criteria provided, conflicting classifications (1 of 4 stars). 4 submissions from 4 submitters: Uncertain significance (3); Likely benign (1). Last evaluated 2025-05-18.

Conditions:
Tuberous sclerosis 1 (TSC1). Identifiers: Orphanet 805, MedGen C1854465, MONDO:0008612, OMIM 191100.
Hereditary cancer-predisposing syndrome. Also called: Neoplastic Syndromes, Hereditary; Hereditary neoplastic syndrome; Tumor predisposition; Hereditary Cancer Syndrome. Identifiers: Orphanet 140162, MedGen C0027672, MeSH D009386, MONDO:0015356.

Allele frequency attached by ClinVar (database versions not stated): gnomAD exomes below 0.00001; TOPMed below 0.00001; gnomAD 0.00001.
gnomAD v4.1: 2 of 1,614,102 alleles (0.00012%); highest among the groups gnomAD compares: Non-Finnish European, 0.00017%; no homozygotes.

Submissions (4):

Labcorp Genetics (formerly Invitae), Labcorp
Classification: Likely benign for Tuberous sclerosis 1. Last evaluated: 2025-05-18. Review status: criteria provided, single submitter. Criteria: Invitae Variant Classification Sherloc (09022015). Collection method: clinical testing. Allele origin: germline.

Ambry Genetics
Classification: Uncertain significance for Hereditary cancer-predisposing syndrome. Last evaluated: 2025-03-11. Review status: criteria provided, single submitter. Criteria: Ambry Variant Classification Scheme 2023. Collection method: clinical testing. Allele origin: germline.
Comment: The p.L10F variant (also known as c.28C>T), located in coding exon 1 of the TSC1 gene, results from a C to T substitution at nucleotide position 28. The leucine at codon 10 is replaced by phenylalanine, an amino acid with highly similar properties. This amino acid position is well conserved in available vertebrate species. In addition, this alteration is predicted to be deleterious by in silico analysis. Based on the available evidence, the clinical significance of this variant remains unclear.

Genome-Nilou Lab
Classification: Uncertain significance for Tuberous sclerosis 1. Last evaluated: 2021-11-07. Review status: criteria provided, single submitter. Criteria: ACMG Guidelines, 2015. Collection method: clinical testing. Allele origin: germline. Affected: no.

GeneDx
Classification: Uncertain significance. Last evaluated: 2021-01-08. Review status: criteria provided, single submitter. Criteria: GeneDx Variant Classification Process June 2021. Collection method: clinical testing. Allele origin: germline. Affected: yes.
Comment: In silico analysis supports that this missense variant has a deleterious effect on protein structure/function; Has not been previously published as pathogenic or benign to our knowledge